The following is an entry in ClinVar:

NM_014112.5(TRPS1):c.2700G>C (p.Arg900=)

Gene: TRPS1 (transcriptional repressor GATA binding 1; minus strand). Cytogenetic location: 8q23.3.
Variant type: single nucleotide variant.
Coding change: c.2700G>C on transcript NM_014112.5 (MANE Select); coding-DNA position 2700, G replaced by C.
Protein change: p.Arg900=; no amino-acid change (arginine 900 retained).
Molecular consequence: synonymous variant.
Genome position (GRCh38, 1-based): chr8:115,587,001, C>G on the plus strand (G>C on the coding strand, the complement: TRPS1 is on the minus strand). VCF-style: chr8-115587001-C-G. GRCh37 (hg19) VCF-style: chr8-116599228-C-G.
Other names: c.2673G>C, p.Arg891= (NM_001282902.3); c.2679G>C, p.Arg893= (NM_001282903.3); c.2661G>C, p.Arg887= (NM_001330599.2).
Identifiers: ClinVar variation 1505084 (VCV001505084.6), dbSNP rs2130443039, ClinGen allele CA462631880.

ClinVar aggregate classification (germline): Uncertain significance (1 of 4 stars; one submission).

Conditions:
Trichorhinophalangeal syndrome, type III (TRPS3). Also called: SUGIO-KAJII SYNDROME. Identifiers: Orphanet 77258, MedGen C1860823, OMIM 190351, MONDO:0008597.
Trichorhinophalangeal dysplasia type I (TRPS1). Also called: TRPS I; TRICHORHINOPHALANGEAL SYNDROME, TYPE I. Identifiers: Orphanet 77258, MedGen C0432233, MONDO:0008596, OMIM 190350.

Submission:

Labcorp Genetics (formerly Invitae), Labcorp
Classification: Uncertain significance for Trichorhinophalangeal syndrome, type III; Trichorhinophalangeal dysplasia type I. Last evaluated: 2021-06-23. Review status: criteria provided, single submitter. Criteria: Invitae Variant Classification Sherloc (09022015). Collection method: clinical testing. Allele origin: germline.
Comment: This sequence change affects codon 900 of the TRPS1 mRNA. It is a 'silent' change, meaning that it does not change the encoded amino acid sequence of the TRPS1 protein. This variant also falls at the last nucleotide of exon 5, which is part of the consensus splice site for this exon. This variant is not present in population databases (ExAC no frequency). This variant has been observed in individual(s) with clinical features of trichorhinophalangeal syndrome (Invitae). It has also been observed to segregate with disease in related individuals. Nucleotide substitutions within the consensus splice site are a relatively common cause of aberrant splicing (PMID: 17576681, 9536098). Algorithms developed to predict the effect of sequence changes on RNA splicing suggest that this variant may disrupt the consensus splice site, but this prediction has not been confirmed by published transcriptional studies. In summary, the available evidence is currently insufficient to determine the role of this variant in disease. Therefore, it has been classified as a Variant of Uncertain Significance.

Literature cited by the submitters: PubMed 17576681; PubMed 9536098.